The following is an entry in ClinVar:

ClinVar aggregate classification (germline): Uncertain significance (1 of 4 stars; one submission).

Submission:

Ambry Genetics
Classification: Uncertain significance. Last evaluated: 2021-12-10. Review status: criteria provided, single submitter. Criteria: Ambry Variant Classification Scheme 2023. Collection method: clinical testing. Allele origin: germline.
Comment: The p.R119I variant (also known as c.356G>T), located in coding exon 4 of the PRKDC gene, results from a G to T substitution at nucleotide position 356. The arginine at codon 119 is replaced by isoleucine, an amino acid with similar properties. This amino acid position is conserved. In addition, this alteration is predicted to be tolerated by in silico analysis. Since supporting evidence is limited at this time, the clinical significance of this alteration remains unclear.

NM_006904.7(PRKDC):c.356G>T (p.Arg119Ile)

Gene: PRKDC (protein kinase, DNA-activated, catalytic subunit; minus strand). Cytogenetic location: 8q11.21.
Variant type: single nucleotide variant.
Coding change: c.356G>T on transcript NM_006904.7 (MANE Select); coding-DNA position 356, G replaced by T.
Protein change: p.Arg119Ile; replaces arginine 119 with isoleucine.
Molecular consequence: missense variant.
Genome position (GRCh38, 1-based): chr8:47,955,917, C>A on the plus strand (G>T on the coding strand, the complement: PRKDC is on the minus strand). VCF-style: chr8-47955917-C-A. GRCh37 (hg19) VCF-style: chr8-48868477-C-A.
Other names: c.356G>T, p.Arg119Ile (NM_001081640.2); short protein forms R119I.
Identifiers: ClinVar variation 1732781 (VCV001732781.2), dbSNP rs2551882140, ClinGen allele CA371140408.
Genomic context (GRCh38, chr8:47,955,917, plus strand): 5'-CTTAGAAACATAATTACCTTAATAAGAAGGTCCAGGGCTGGAATTTTACATTTAGCAGCT[C>A]TATCTTTTGTATAAACACTGGTACAAGTGTTCTAGGTTTTAAAAAAAAAATAACCAAAAT-3'
Protein context (NP_008835.5, residues 109-129): NTCTSVYTKD[Arg119Ile]AAKCKIPALD